The following is an entry in ClinVar:

ClinVar aggregate classification (germline): Conflicting classifications of pathogenicity. Review status: criteria provided, conflicting classifications (1 of 4 stars). 5 submissions from 5 submitters: Likely pathogenic (3); Uncertain significance (1). 1 of the submissions does not count toward it. Last evaluated 2024-11-11.

Conditions:
Stargardt disease (FFM). Also called: Fundus flavimaculatus; Stargardt's disease. Identifiers: Orphanet 827, MedGen C0271093, MONDO:0019353.

Submissions (5):

Women's Health and Genetics/Laboratory Corporation of America, LabCorp
Classification: Likely pathogenic for Stargardt disease. Last evaluated: 2024-11-11. Review status: criteria provided, single submitter. Criteria: LabCorp Variant Classification Summary - May 2015. Collection method: clinical testing. Allele origin: germline.
Comment: Variant summary: ABCA4 c.6104T>C (p.Leu2035Pro) results in a non-conservative amino acid change in the encoded protein sequence. Five of five in-silico tools predict a damaging effect of the variant on protein function. The variant was absent in 251380 control chromosomes (gnomAD). c.6104T>C has been reported in the literature in individuals affected with Stargardt Disease (Briggs_2001, Jaakson_2003, Mena_2021, Peter_2023). These data indicate that the variant is likely to be associated with disease. To our knowledge, no experimental evidence demonstrating an impact on protein function has been reported. The following publications have been ascertained in the context of this evaluation (PMID: 11527935, 14517951, 33841504, 36909829). ClinVar contains an entry for this variant (Variation ID: 99429). Based on the evidence outlined above, the variant was classified as likely pathogenic.

Labcorp Genetics (formerly Invitae), Labcorp
Classification: Likely pathogenic. Last evaluated: 2023-10-26. Review status: criteria provided, single submitter. Criteria: Invitae Variant Classification Sherloc (09022015). Collection method: clinical testing. Allele origin: germline.
Comment: This sequence change replaces leucine, which is neutral and non-polar, with proline, which is neutral and non-polar, at codon 2035 of the ABCA4 protein (p.Leu2035Pro). This variant is not present in population databases (gnomAD no frequency). This missense change has been observed in individual(s) with clinical features of ABCA4-related conditions and/or Stargardt disease (PMID: 11527935, 14517951, 36909829). ClinVar contains an entry for this variant (Variation ID: 99429). Advanced modeling of protein sequence and biophysical properties (such as structural, functional, and spatial information, amino acid conservation, physicochemical variation, residue mobility, and thermodynamic stability) performed at Invitae indicates that this missense variant is expected to disrupt ABCA4 protein function with a positive predictive value of 95%. In summary, the currently available evidence indicates that the variant is pathogenic, but additional data are needed to prove that conclusively. Therefore, this variant has been classified as Likely Pathogenic.

Ophthalmic Genetics Group, Institute of Molecular and Clinical Ophthalmology Basel
Classification: Likely pathogenic for Stargardt disease. Last evaluated: 2023-07-24. Review status: criteria provided, single submitter. Criteria: ACMG Guidelines, 2015. Collection method: research. Allele origin: germline. Affected: yes. Observed: 1 variant allele.
Comment: Clinical significance based on ACMG v2.0

This variant was classified as Likely pathogenic based on ACMG criteria: PM1, PP2, PM2, PP3.

Blueprint Genetics
Classification: Uncertain significance. Last evaluated: 2021-02-17. Review status: criteria provided, single submitter. Criteria: ACMG Guidelines, 2015. Collection method: clinical testing. Allele origin: germline.

Retina International
No classification provided. Review status: no classification provided. Collection method: not provided. Allele origin: not provided. Not counted in ClinVar's aggregate classification.

Literature cited by the submitters: PubMed 33841504 (cited by Women's Health and Genetics/Laboratory Corporation of America, LabCorp); PubMed 11527935 (cited by Women's Health and Genetics/Laboratory Corporation of America, LabCorp and Labcorp Genetics (formerly Invitae), Labcorp); PubMed 14517951 (cited by Women's Health and Genetics/Laboratory Corporation of America, LabCorp and Labcorp Genetics (formerly Invitae), Labcorp); PubMed 36909829 (cited by 3 submitters).

NM_000350.3(ABCA4):c.6104T>C (p.Leu2035Pro)

Gene: ABCA4 (ATP binding cassette subfamily A member 4; minus strand). Cytogenetic location: 1p22.1.
Variant type: single nucleotide variant.
Coding change: c.6104T>C on transcript NM_000350.3 (MANE Select); coding-DNA position 6104, T replaced by C.
Protein change: p.Leu2035Pro; replaces leucine 2035 with proline.
Molecular consequence: missense variant.
Genome position (GRCh38, 1-based): chr1:94,005,484, A>G on the plus strand (T>C on the coding strand, the complement: ABCA4 is on the minus strand). VCF-style: chr1-94005484-A-G. GRCh37 (hg19) VCF-style: chr1-94471040-A-G.
Other names: NP_000341.2:p.(Leu2035Pro); c.5882T>C, p.Leu1961Pro (NM_001425324.1); short protein forms L2035P, L1961P.
Identifiers: ClinVar variation 99429 (VCV000099429.9), dbSNP rs61750642, ClinGen allele CA227367.